The following is an entry in ClinVar:

ClinVar aggregate classification (germline): Benign (1 of 4 stars; one submission).

Allele frequency attached by ClinVar (database versions not stated): gnomAD exomes 0.00390; gnomAD 0.03642 and 0.03928; 1000 Genomes Project 0.03754; TOPMed 0.04103; 1000 Genomes Project 30x 0.04138.
gnomAD v4.1: 8,945 of 986,818 alleles (0.91%); highest among the groups gnomAD compares: African/African-American, 12%; 522 homozygotes.

Submission:

GeneDx
Classification: Benign. Last evaluated: 2018-06-16. Review status: criteria provided, single submitter. Criteria: GeneDx Variant Classification (06012015). Collection method: clinical testing. Allele origin: germline. Affected: yes.
Comment: This variant is considered likely benign or benign based on one or more of the following criteria: it is a conservative change, it occurs at a poorly conserved position in the protein, it is predicted to be benign by multiple in silico algorithms, and/or has population frequency not consistent with disease.

NM_201384.3(PLEC):c.602+130C>T

Gene: PLEC (plectin; minus strand). Cytogenetic location: 8q24.3.
Variant type: single nucleotide variant.
Coding change: c.602+130C>T on transcript NM_201384.3 (MANE Select); 130 bases into the intron after coding-DNA position 602, C replaced by T.
Molecular consequence: intron variant.
Genome position (GRCh38, 1-based): chr8:143,935,718, G>A on the plus strand (C>T on the coding strand, the complement: PLEC is on the minus strand). VCF-style: chr8-143935718-G-A. GRCh37 (hg19) VCF-style: chr8-145009886-G-A.
Other names: c.683+130C>T (NM_000445.5); c.560+130C>T (NM_201378.4); c.536+130C>T (NM_201379.3); c.1013+130C>T (NM_201380.4); c.506+130C>T (NM_201381.3); c.602+130C>T (NM_201382.4); c.614+130C>T (NM_201383.3).
Identifiers: ClinVar variation 673019 (VCV000673019.1), dbSNP rs73377218, ClinGen allele CA187624008.
Genomic context (GRCh38, chr8:143,935,718, plus strand): 5'-CAAGTGGTGGTGCTTCTGAAGGACACCAGGGTGGGGCTGGGCCCTGAACTCCACCACCCC[G>A]AGGCGGCCAGCTGGCACTCATCCCTGTTCCTCCTGCCCTCCTCCCTGCCCCAACGTGTCT-3'